The following is an entry in ClinVar:

NM_000152.5(GAA):c.2092_2099del (p.Ala698fs)

Gene: GAA (alpha glucosidase; plus strand). Cytogenetic location: 17q25.3.
Variant type: Deletion.
Coding change: c.2092_2099del on transcript NM_000152.5 (MANE Select); coding-DNA positions 2092 to 2099, 8 bases deleted (GCCCTCAC; older notation c.2092_2099delGCCCTCAC).
Protein change: p.Ala698fs; shifts the reading frame from alanine 698.
Molecular consequence: frameshift variant.
Genome position (GRCh38, 1-based): chr17:80,113,269-80,113,276, GCCCTCAC deleted. VCF-style (leftmost placement, unchanged base first): chr17-80113268-GGCCCTCAC-G. GRCh37 (hg19) VCF-style: chr17-78087067-GGCCCTCAC-G.
Other names: p.Ala698ProfsTer36; c.2092_2099del, p.Ala698fs (NM_001079803.3, NM_001079804.3, NM_001406741.1 and 1 more transcripts); short protein forms A698fs.
Identifiers: ClinVar variation 2687887 (VCV002687887.2), dbSNP rs2510386166, ClinGen allele CA2697555244.

ClinVar aggregate classification (germline): Pathogenic (1 of 4 stars; one submission).

Conditions:
Glycogen storage disease, type II (IOPD). Also called: Glucosidase acid-1,4-alpha deficiency; Glycogen storage disease type 2; Acid maltase deficiency disease; Pompe Disease; GLYCOGENOSIS, GENERALIZED, CARDIAC FORM; GSD II. Identifiers: Orphanet 365, MedGen C0017921, MONDO:0009290, OMIM 232300.

Submission:

Foundation for Research in Genetics and Endocrinology, FRIGE's Institute of Human Genetics
Classification: Pathogenic for Glycogen storage disease, type II. Last evaluated: 2024-01-25. Review status: criteria provided, single submitter. Criteria: ACMG Guidelines, 2015. Collection method: clinical testing. Allele origin: germline. Inheritance: Autosomal recessive inheritance. Affected: yes. Observed: 1 homozygote.
Comment: A homozygous 8 base pair deletion in exon 15 of the GAA gene that results in a frameshift and premature truncation of the protein 36 amino acids downstream to codon 698 was detected. The observed variant c.2092_2099del (p.Ala698ProfsTer36) has not been reported in the gnomAD database. The in silico prediction of the variant is damaging by MutationTaster. In summary, the variant meets our criteria to be classified as pathogenic.